The following is an entry in ClinVar:

NM_006767.4(LZTR1):c.1815G>C (p.Glu605Asp)

Gene: LZTR1 (leucine zipper like post translational regulator 1; plus strand). Cytogenetic location: 22q11.21.
Variant type: single nucleotide variant.
Coding change: c.1815G>C on transcript NM_006767.4 (MANE Select); coding-DNA position 1815, G replaced by C.
Protein change: p.Glu605Asp; replaces glutamic acid 605 with aspartic acid.
Molecular consequence: missense variant.
Genome position (GRCh38, 1-based): chr22:20,994,899, G>C. VCF-style: chr22-20994899-G-C. GRCh37 (hg19) VCF-style: chr22-21349188-G-C.
Other names: short protein forms E605D.
Identifiers: ClinVar variation 2458035 (VCV002458035.3), dbSNP rs771620465, ClinGen allele CA10119077.

ClinVar aggregate classification (germline): Uncertain significance. Review status: criteria provided, multiple submitters, no conflicts (2 of 4 stars). 2 submissions from 2 submitters: Uncertain significance (2). Last evaluated 2025-10-07.

Conditions:
Hereditary cancer-predisposing syndrome. Also called: Neoplastic Syndromes, Hereditary; Hereditary neoplastic syndrome; Tumor predisposition; Hereditary Cancer Syndrome. Identifiers: Orphanet 140162, MedGen C0027672, MeSH D009386, MONDO:0015356.
Cardiovascular phenotype. Identifiers: MedGen CN230736.

Allele frequency attached by ClinVar (database versions not stated): ExAC 0.00001; gnomAD 0.00001.
gnomAD v4.1: 2 of 1,613,304 alleles (0.00012%); highest among the groups gnomAD compares: African/African-American, 0.0027%; no homozygotes.

Submissions (2):

Labcorp Genetics (formerly Invitae), Labcorp
Classification: Uncertain significance. Last evaluated: 2025-10-07. Review status: criteria provided, single submitter. Criteria: Invitae Variant Classification Sherloc (09022015). Collection method: clinical testing. Allele origin: germline.
Comment: This sequence change replaces glutamic acid, which is acidic and polar, with aspartic acid, which is acidic and polar, at codon 605 of the LZTR1 protein (p.Glu605Asp). This variant is present in population databases (rs771620465, gnomAD 0.007%). This variant has not been reported in the literature in individuals affected with LZTR1-related conditions. ClinVar contains an entry for this variant (Variation ID: 2458035). Invitae Evidence Modeling of protein sequence and biophysical properties (such as structural, functional, and spatial information, amino acid conservation, physicochemical variation, residue mobility, and thermodynamic stability) indicates that this missense variant is not expected to disrupt LZTR1 protein function with a negative predictive value of 80%. In summary, the available evidence is currently insufficient to determine the role of this variant in disease. Therefore, it has been classified as a Variant of Uncertain Significance.

Ambry Genetics
Classification: Uncertain significance for Cardiovascular phenotype; Hereditary cancer-predisposing syndrome. Last evaluated: 2022-12-21. Review status: criteria provided, single submitter. Criteria: Ambry Variant Classification Scheme 2023. Collection method: clinical testing. Allele origin: germline.
Comment: The p.E605D variant (also known as c.1815G>C), located in coding exon 16 of the LZTR1 gene, results from a G to C substitution at nucleotide position 1815. The glutamic acid at codon 605 is replaced by aspartic acid, an amino acid with highly similar properties. This amino acid position is conserved. In addition, this alteration is predicted to be tolerated by in silico analysis. Since supporting evidence is limited at this time, the clinical significance of this alteration remains unclear.